The following is an entry in ClinVar:

NM_001776.6(ENTPD1):c.536G>A (p.Trp179Ter)

Genes: ENTPD1 (ectonucleoside triphosphate diphosphohydrolase 1; plus strand), ENTPD1-AS1 (ENTPD1 antisense RNA 1; minus strand). Cytogenetic location: 10q24.1.
Variant type: single nucleotide variant.
Coding change: c.536G>A on transcript NM_001776.6 (MANE Select); coding-DNA position 536, G replaced by A.
Protein change: p.Trp179Ter; replaces tryptophan 179 with a stop codon.
Molecular consequence: nonsense.
Genome position (GRCh38, 1-based): chr10:95,844,598, G>A. VCF-style: chr10-95844598-G-A. GRCh37 (hg19) VCF-style: chr10-97604355-G-A.
Other names: c.557G>A, p.Trp186Ter (NM_001098175.2); c.572G>A, p.Trp191Ter (NM_001164178.1, NM_001320916.1); c.536G>A, p.Trp179Ter (NM_001164179.2); c.212G>A, p.Trp71Ter (NM_001164181.1, NM_001312654.1); c.122G>A, p.Trp41Ter (NM_001164182.2, NM_001164183.2); short protein forms W179*, W186*, W191*, W41*, W71*.
Identifiers: ClinVar variation 2663477 (VCV002663477.2), dbSNP rs2494403988, ClinGen allele CA377822835.

ClinVar aggregate classification (germline): Conflicting classifications of pathogenicity. Review status: criteria provided, conflicting classifications (1 of 4 stars). 2 submissions from 2 submitters: Pathogenic (1); Uncertain significance (1). Last evaluated 2023-06-30.

Conditions:
Hereditary spastic paraplegia 64. Also called: ENTPD1-Related Neurodevelopmental Disorder; Spastic paraplegia 64, autosomal recessive. Identifiers: Orphanet 401810, MedGen C3810289, MONDO:0014303, OMIM 615683.

Allele frequency attached by ClinVar (database versions not stated): gnomAD exomes 0.00001.
gnomAD v4.1: 8 of 1,614,192 alleles (0.0005%); highest among the groups gnomAD compares: Admixed American, 0.0017%; no homozygotes.

Submissions (2):

3billion
Classification: Pathogenic for Hereditary spastic paraplegia 64. Last evaluated: 2023-06-30. Review status: criteria provided, single submitter. Criteria: ACMG Guidelines, 2015. Collection method: clinical testing. Allele origin: germline. Affected: yes.
Comment: The variant is not observed in the gnomAD v2.1.1 dataset. Predicted Consequence/Location: Stop-gained (nonsense): predicted to result in a loss or disruption of normal protein function through nonsense-mediated decay (NMD) or protein truncation. Multiple pathogenic variants are reported downstream of the variant. Therefore, this variant is classified as Pathogenic according to the recommendation of ACMG/AMP guideline.

GeneDx
Classification: Uncertain significance. Last evaluated: 2023-04-20. Review status: criteria provided, single submitter. Criteria: GeneDx Variant Classification Process June 2021. Collection method: clinical testing. Allele origin: germline. Affected: yes.
Comment: Not observed at significant frequency in large population cohorts (gnomAD); Nonsense variant predicted to result in protein truncation or nonsense mediated decay in a gene or region of a gene for which loss of function is not a well-established mechanism of disease; Has not been previously published as pathogenic or benign to our knowledge